The following is an entry in ClinVar:

ClinVar aggregate classification (germline): Conflicting classifications of pathogenicity. Review status: criteria provided, conflicting classifications (1 of 4 stars). 3 submissions from 3 submitters: Uncertain significance (2); Likely benign (1). Last evaluated 2024-10-09.

Conditions:
Familial thoracic aortic aneurysm and aortic dissection (TAAD). Also called: Thoracic aortic aneurysms and dissections. Identifiers: Orphanet 91387, MedGen C4707243, MONDO:0019625.
Marfan syndrome (MFS). Also called: MARFAN SYNDROME, TYPE I; Marfan syndrome type 1; Marfan's syndrome; Marfan syndrome, classic; FBN1-Related Marfan Syndrome. Identifiers: Orphanet 284963, Orphanet 558, MedGen C0024796, MONDO:0007947, OMIM 154700.

Allele frequency attached by ClinVar (database versions not stated): gnomAD exomes below 0.00001; TOPMed 0.00001.
gnomAD v4.1: 1 of 1,608,412 alleles (0.000062%); highest among the groups gnomAD compares: East Asian, 0.0022%; no homozygotes.

Submissions (3):

Labcorp Genetics (formerly Invitae), Labcorp
Classification: Likely benign for Marfan syndrome; Familial thoracic aortic aneurysm and aortic dissection. Last evaluated: 2024-10-09. Review status: criteria provided, single submitter. Criteria: Invitae Variant Classification Sherloc (09022015). Collection method: clinical testing. Allele origin: germline.

All of Us Research Program, National Institutes of Health
Classification: Uncertain significance for Marfan syndrome. Last evaluated: 2024-01-06. Review status: criteria provided, single submitter. Criteria: ACMG Guidelines, 2015. Collection method: clinical testing. Allele origin: germline. Inheritance: Autosomal dominant inheritance. Observed: 2 variant alleles, 2 heterozygotes.
Comment: This variant causes an A to C nucleotide substitution at the -15 position of intron 31 of the FBN1 gene. To our knowledge, functional studies have not been reported for this variant. This variant has not been reported in individuals affected with FBN1-related disorders in the literature. This variant has been identified in 2/250872 chromosomes in the general population by the Genome Aggregation Database (gnomAD). The available evidence is insufficient to determine the role of this variant in disease conclusively. Therefore, this variant is classified as a Variant of Uncertain Significance.

This study involves interpretation of variants in research participants for the purpose of population health screening. Participant phenotype was not available at the time of variant classification. Additional details can be found in publication PMID: 35346344, PMCID: PMC8962531

Color Diagnostics, LLC DBA Color Health
Classification: Uncertain significance for Familial thoracic aortic aneurysm and aortic dissection. Last evaluated: 2023-07-26. Review status: criteria provided, single submitter. Criteria: ACMG Guidelines, 2015. Collection method: clinical testing. Allele origin: germline.
Comment: This variant causes an A to C nucleotide substitution at the -15 position of intron 31 of the FBN1 gene. To our knowledge, functional studies have not been reported for this variant. This variant has not been reported in individuals affected with FBN1-related disorders in the literature. This variant has been identified in 2/250872 chromosomes in the general population by the Genome Aggregation Database (gnomAD). The available evidence is insufficient to determine the role of this variant in disease conclusively. Therefore, this variant is classified as a Variant of Uncertain Significance.

NM_000138.5(FBN1):c.3839-15A>C

Gene: FBN1 (fibrillin 1; minus strand). Cytogenetic location: 15q21.1.
Variant type: single nucleotide variant.
Coding change: c.3839-15A>C on transcript NM_000138.5 (MANE Select); 15 bases into the intron before coding-DNA position 3839, A replaced by C.
Molecular consequence: intron variant.
Genome position (GRCh38, 1-based): chr15:48,481,795, T>G on the plus strand (A>C on the coding strand, the complement: FBN1 is on the minus strand). VCF-style: chr15-48481795-T-G. GRCh37 (hg19) VCF-style: chr15-48773992-T-G.
Other names: c.3839-15A>C (NM_001406716.1).
Identifiers: ClinVar variation 2927610 (VCV002927610.5), dbSNP rs1473358699, ClinGen allele CA617834967.
Genomic context (GRCh38, chr15:48,481,795, plus strand): 5'-GTCCCACTTAGGCAGATATTTGGATTCAGGTCACACTCATTGACATCTGTAAAACATATA[T>G]ACTATTAATATATGTAGCTATTTGATATCATTGAGTACTTTCCCCTCGAGACATAATAAC-3'